The following is an entry in ClinVar:

ClinVar aggregate classification (germline): Uncertain significance (1 of 4 stars; one submission).

Conditions:
Epileptic encephalopathy. Identifiers: MedGen C0543888, HP:0200134.

Submission:

Labcorp Genetics (formerly Invitae), Labcorp
Classification: Uncertain significance for Epileptic encephalopathy. Last evaluated: 2023-10-17. Review status: criteria provided, single submitter. Criteria: Invitae Variant Classification Sherloc (09022015). Collection method: clinical testing. Allele origin: germline.
Comment: This variant, c.3526_3528del, results in the deletion of 1 amino acid(s) of the FASN protein (p.Gln1176del), but otherwise preserves the integrity of the reading frame. This variant is not present in population databases (gnomAD no frequency). This variant has not been reported in the literature in individuals affected with FASN-related conditions. Experimental studies and prediction algorithms are not available or were not evaluated, and the functional significance of this variant is currently unknown. Algorithms developed to predict the effect of sequence changes on RNA splicing suggest that this variant may create or strengthen a splice site. In summary, the available evidence is currently insufficient to determine the role of this variant in disease. Therefore, it has been classified as a Variant of Uncertain Significance.

NM_004104.5(FASN):c.3523CAG[1] (p.Gln1176del)

Gene: FASN (fatty acid synthase; minus strand). Cytogenetic location: 17q25.3.
Variant type: Microsatellite.
Coding change: c.3523CAG[1] on transcript NM_004104.5 (MANE Select); one copy of the 3-base unit CAG starting at c.3523; the reference has two copies in a row; one copy, 3 bases deleted.
Protein change: p.Gln1176del; deletes glutamine 1176.
Molecular consequence: inframe deletion.
Genome position (GRCh38, 1-based): chr17:82,086,458-82,086,460, CTG deleted on the plus strand (CAG on the coding strand, the reverse complement: FASN is on the minus strand); deleting any 3 consecutive bases within chr17:82,086,458-82,086,463 gives the same sequence; the position shown is the placement nearest the transcript's 3' end. VCF-style (leftmost placement, unchanged base first): chr17-82086457-CCTG-C. GRCh37 (hg19) VCF-style: chr17-80044333-CCTG-C.
Other names: short protein forms Q1176del.
Identifiers: ClinVar variation 2899570 (VCV002899570.3), dbSNP rs1332768333, ClinGen allele CA775705800.